The following is an entry in ClinVar:

ClinVar aggregate classification (germline): Uncertain significance (1 of 4 stars; one submission).

Conditions:
Cystic fibrosis (CF). Also called: MUCOVISCIDOSIS. Identifiers: Orphanet 586, MedGen C0010674, MONDO:0009061, OMIM 219700. Disease mechanism: loss of function.

Submission:

Ambry Genetics
Classification: Uncertain significance for Cystic fibrosis. Last evaluated: 2025-07-12. Review status: criteria provided, single submitter. Criteria: Ambry Variant Classification Scheme 2023. Collection method: clinical testing. Allele origin: germline.
Comment: The p.Q1428R variant (also known as c.4283A>G), located in coding exon 27 of the CFTR gene, results from an A to G substitution at nucleotide position 4283. The glutamine at codon 1428 is replaced by arginine, an amino acid with highly similar properties. This amino acid position is conserved. In addition, the in silico prediction for this alteration is inconclusive. Based on the available evidence, the clinical significance of this variant remains unclear.

NM_000492.4(CFTR):c.4283A>G (p.Gln1428Arg)

Genes: CFTR (CF transmembrane conductance regulator; plus strand), LOC111674477 (CFTR intron 23 enhancer; plus strand). Cytogenetic location: 7q31.2.
Variant type: single nucleotide variant.
Coding change: c.4283A>G on transcript NM_000492.4 (MANE Select); coding-DNA position 4283, A replaced by G.
Protein change: p.Gln1428Arg; replaces glutamine 1428 with arginine.
Molecular consequence: missense variant.
Genome position (GRCh38, 1-based): chr7:117,666,948, A>G. VCF-style: chr7-117666948-A-G. GRCh37 (hg19) VCF-style: chr7-117307002-A-G.
Other names: short protein forms Q1428R.
Identifiers: ClinVar variation 4227379 (VCV004227379.1).